The following is an entry in ClinVar:

NM_000038.6(APC):c.5399A>G (p.Asn1800Ser)

Gene: APC (APC regulator of Wnt signaling pathway; plus strand). Cytogenetic location: 5q22.2.
Variant type: single nucleotide variant.
Coding change: c.5399A>G on transcript NM_000038.6 (MANE Select); coding-DNA position 5399, A replaced by G.
Protein change: p.Asn1800Ser; replaces asparagine 1800 with serine.
Molecular consequence: missense variant.
Genome position (GRCh38, 1-based): chr5:112,840,993, A>G. VCF-style: chr5-112840993-A-G. GRCh37 (hg19) VCF-style: chr5-112176690-A-G.
Other names: c.5399A>G, p.Asn1800Ser (NM_001127510.3, NM_001354895.2); c.5345A>G, p.Asn1782Ser (NM_001127511.3); c.5453A>G, p.Asn1818Ser (NM_001354896.2); c.5429A>G, p.Asn1810Ser (NM_001354897.2); c.5324A>G, p.Asn1775Ser (NM_001354898.2); c.5315A>G, p.Asn1772Ser (NM_001354899.2); c.5276A>G, p.Asn1759Ser (NM_001354900.2); c.5222A>G, p.Asn1741Ser (NM_001354901.2); and 5 more; short protein forms N1782S, N1800S, N1640S, N1709S, N1772S, N1759S, N1775S, N1810S.
Identifiers: ClinVar variation 233507 (VCV000233507.37), dbSNP rs865782682, ClinGen allele CA10578402.
Genomic context (GRCh38, chr5:112,840,993, plus strand): 5'-CACAAAATACTGAATATAGGACACGTGTAAGAAAAAATGCAGACTCAAAAAATAATTTAA[A>G]TGCTGAGAGAGTTTTCTCAGACAACAAAGATTCAAAGAAACAGAATTTGAAAAATAATTC-3'
Protein context (NP_000029.2, residues 1790-1810): RKNADSKNNL[Asn1800Ser]AERVFSDNKD

ClinVar aggregate classification (germline): Uncertain significance. Review status: criteria provided, multiple submitters, no conflicts (2 of 4 stars). 10 submissions from 10 submitters: Uncertain significance (10). Last evaluated 2025-12-13.

Conditions:
APC-Associated Polyposis Disorders.
Desmoid disease, hereditary (DESMD). Also called: FIBROMATOSIS, FAMILIAL INFILTRATIVE. Identifiers: Orphanet 873, MedGen C1851124, OMIM 135290. Disease mechanism: loss of function.
Gastric cancer. Also called: Stomach cancer; Malignant tumor of stomach. Identifiers: MedGen C0024623, MeSH D013274, MONDO:0001056, OMIM 613659, HP:0012126.
Familial adenomatous polyposis 1 (FAP1). Also called: POLYPOSIS, ADENOMATOUS INTESTINAL; FAMILIAL ADENOMATOUS POLYPOSIS 1, ATTENUATED. Identifiers: MedGen C2713442, MONDO:0021056, OMIM 175100. Disease mechanism: loss of function.
Gastric adenocarcinoma and proximal polyposis of the stomach (GAPPS). Also called: Polyposis, gastric, Dos Santos and de Magalhaes 1980; POLYPOSIS, GASTRIC; Gastric Adenocarcinoma and Proximal Polyposis of the Stomach (GAPPS). Identifiers: Orphanet 314022, MedGen C4749917, MONDO:0017790, OMIM 619182.
Hepatocellular carcinoma (HCC). Also called: Primary carcinoma of liver; HEPATOMA; LIVER CELL CARCINOMA. Identifiers: Orphanet 88673, MedGen C2239176, MONDO:0007256, OMIM 114550, HP:0001402.
Colorectal cancer. Also called: Colorectal cancer, somatic; Malignant Colorectal Neoplasm. Identifiers: MedGen C0346629, MONDO:0005575, OMIM 114500.
Classic or attenuated familial adenomatous polyposis. Identifiers: MedGen CN372698, MONDO:0021057.
Hereditary cancer-predisposing syndrome. Also called: Neoplastic Syndromes, Hereditary; Hereditary neoplastic syndrome; Hereditary Cancer Syndrome; Tumor predisposition. Identifiers: Orphanet 140162, MedGen C0027672, MeSH D009386, MONDO:0015356.

Allele frequency attached by ClinVar (database versions not stated): TOPMed below 0.00001; gnomAD 0.00001; gnomAD exomes 0.00002.
gnomAD v4.1: 16 of 1,611,882 alleles (0.00099%); highest among the groups gnomAD compares: Middle Eastern, 0.23%; no homozygotes.

Submissions (10):

Labcorp Genetics (formerly Invitae), Labcorp
Classification: Uncertain significance for Familial adenomatous polyposis 1. Last evaluated: 2025-12-13. Review status: criteria provided, single submitter. Criteria: Invitae Variant Classification Sherloc (09022015). Collection method: clinical testing. Allele origin: germline.
Comment: This sequence change replaces asparagine, which is neutral and polar, with serine, which is neutral and polar, at codon 1800 of the APC protein (p.Asn1800Ser). This variant is not present in population databases (gnomAD no frequency). This variant has not been reported in the literature in individuals affected with APC-related conditions. ClinVar contains an entry for this variant (Variation ID: 233507). Invitae Evidence Modeling of protein sequence and biophysical properties (such as structural, functional, and spatial information, amino acid conservation, physicochemical variation, residue mobility, and thermodynamic stability) indicates that this missense variant is not expected to disrupt APC protein function with a negative predictive value of 95%. In summary, the available evidence is currently insufficient to determine the role of this variant in disease. Therefore, it has been classified as a Variant of Uncertain Significance.

Ambry Genetics
Classification: Uncertain significance for Hereditary cancer-predisposing syndrome. Last evaluated: 2025-10-01. Review status: criteria provided, single submitter. Criteria: Ambry Variant Classification Scheme 2023. Collection method: clinical testing. Allele origin: germline.
Comment: The p.N1800S variant (also known as c.5399A>G), located in coding exon 15 of the APC gene, results from an A to G substitution at nucleotide position 5399. The asparagine at codon 1800 is replaced by serine, an amino acid with highly similar properties. This amino acid position is not well conserved in available vertebrate species. In addition, in silico predictors for this gene do not accurately predict pathogenicity. Missense variants in APC are not a common cause of disease (Spier I et al. Genet Med. 2024 Feb;26(2):100992). Based on the available evidence, the clinical significance of this variant remains unclear.

Revvity Omics, Revvity
Classification: Uncertain significance. Last evaluated: 2025-05-06. Review status: criteria provided, single submitter. Criteria: ACMG Guidelines, 2015. Collection method: clinical testing. Allele origin: germline.

GeneDx
Classification: Uncertain significance. Last evaluated: 2025-03-19. Review status: criteria provided, single submitter. Criteria: GeneDx Variant Classification Process June 2021. Collection method: clinical testing. Allele origin: germline. Affected: yes.
Comment: Not observed at significant frequency in large population cohorts (gnomAD); In silico analysis indicates that this missense variant does not alter protein structure/function; Has not been previously published as pathogenic or benign to our knowledge; This variant is associated with the following publications: (PMID: 29106415, 29570743, 18199528)

Fulgent Genetics
Classification: Uncertain significance for Colorectal cancer; Hepatocellular carcinoma; Desmoid disease, hereditary; Familial adenomatous polyposis 1; Gastric cancer; Gastric adenocarcinoma and proximal polyposis of the stomach. Last evaluated: 2024-02-22. Review status: criteria provided, single submitter. Criteria: ACMG Guidelines, 2015. Collection method: clinical testing. Allele origin: germline.

Baylor Genetics
Classification: Uncertain significance for Familial adenomatous polyposis 1. Last evaluated: 2024-02-13. Review status: criteria provided, single submitter. Criteria: ACMG Guidelines, 2015. Collection method: clinical testing. Allele origin: unknown.

Color Diagnostics, LLC DBA Color Health
Classification: Uncertain significance for Hereditary cancer-predisposing syndrome. Last evaluated: 2023-05-10. Review status: criteria provided, single submitter. Criteria: ACMG Guidelines, 2015. Collection method: clinical testing. Allele origin: germline.
Comment: This missense variant replaces asparagine with serine at codon 1800 of the APC protein. Computational prediction suggests that this variant may not impact protein structure and function (internally defined REVEL score threshold <= 0.5, PMID: 27666373). To our knowledge, functional studies have not been reported for this variant. This variant has not been reported in individuals affected with APC-related disorders in the literature. This variant has not been identified in the general population by the Genome Aggregation Database (gnomAD). The available evidence is insufficient to determine the role of this variant in disease conclusively. Therefore, this variant is classified as a Variant of Uncertain Significance.

All of Us Research Program, National Institutes of Health
Classification: Uncertain significance for Classic or attenuated familial adenomatous polyposis. Last evaluated: 2023-04-27. Review status: criteria provided, single submitter. Criteria: ACMG Guidelines, 2015. Collection method: clinical testing. Allele origin: germline. Inheritance: Autosomal dominant inheritance. Observed: 1 variant allele, 1 heterozygote.
Comment: This missense variant replaces asparagine with serine at codon 1800 of the APC protein. Computational prediction suggests that this variant may not impact protein structure and function (internally defined REVEL score threshold <= 0.5, PMID: 27666373). Splice site prediction tools suggest that this variant may not impact RNA splicing. To our knowledge, functional studies have not been reported for this variant. This variant has not been reported in individuals affected with hereditary cancer in the literature. This variant has not been identified in the general population by the Genome Aggregation Database (gnomAD). The available evidence is insufficient to determine the role of this variant in disease conclusively. Therefore, this variant is classified as a Variant of Uncertain Significance.

This study involves interpretation of variants in research participants for the purpose of population health screening. Participant phenotype was not available at the time of variant classification. Additional details can be found in publication PMID: 35346344, PMCID: PMC8962531

Illumina Laboratory Services, Illumina
Classification: Uncertain significance for APC-Associated Polyposis Disorders. Last evaluated: 2018-01-13. Review status: criteria provided, single submitter. Criteria: ICSL Variant Classification Criteria 13 December 2019. Collection method: clinical testing. Allele origin: germline.

Quest Diagnostics Nichols Institute San Juan Capistrano
Classification: Uncertain significance. Last evaluated: 2017-12-02. Review status: criteria provided, single submitter. Criteria: Quest Diagnostics criteria. Collection method: clinical testing. Allele origin: germline.